The following is an entry in ClinVar:

ClinVar aggregate classification (germline): Uncertain significance (1 of 4 stars; one submission).

Allele frequency attached by ClinVar (database versions not stated): ExAC 0.00001; TOPMed 0.00001.
gnomAD v4.1: 5 of 1,614,218 alleles (0.00031%); highest among the groups gnomAD compares: Admixed American, 0.005%; no homozygotes.

Submission:

Labcorp Genetics (formerly Invitae), Labcorp
Classification: Uncertain significance. Last evaluated: 2024-03-04. Review status: criteria provided, single submitter. Criteria: Invitae Variant Classification Sherloc (09022015). Collection method: clinical testing. Allele origin: germline.
Comment: This sequence change replaces leucine, which is neutral and non-polar, with proline, which is neutral and non-polar, at codon 244 of the WNK4 protein (p.Leu244Pro). This variant is present in population databases (rs767171910, gnomAD 0.009%). This variant has not been reported in the literature in individuals affected with WNK4-related conditions. ClinVar contains an entry for this variant (Variation ID: 2183592). Advanced modeling of protein sequence and biophysical properties (such as structural, functional, and spatial information, amino acid conservation, physicochemical variation, residue mobility, and thermodynamic stability) performed at Invitae indicates that this missense variant is not expected to disrupt WNK4 protein function with a negative predictive value of 95%. In summary, the available evidence is currently insufficient to determine the role of this variant in disease. Therefore, it has been classified as a Variant of Uncertain Significance.

NM_032387.5(WNK4):c.731T>C (p.Leu244Pro)

Gene: WNK4 (WNK lysine deficient protein kinase 4; plus strand). Cytogenetic location: 17q21.2.
Variant type: single nucleotide variant.
Coding change: c.731T>C on transcript NM_032387.5 (MANE Select); coding-DNA position 731, T replaced by C.
Protein change: p.Leu244Pro; replaces leucine 244 with proline.
Molecular consequence: missense variant. On other transcripts: 5 prime UTR variant (1).
Genome position (GRCh38, 1-based): chr17:42,782,870, T>C. VCF-style: chr17-42782870-T-C. GRCh37 (hg19) VCF-style: chr17-40934888-T-C.
Other names: c.-189T>C (NM_001321299.2); short protein forms L244P.
Identifiers: ClinVar variation 2183592 (VCV002183592.4), dbSNP rs767171910, ClinGen allele CA8583753.